The following is an entry in ClinVar:

NM_006393.3(NEBL):c.722A>T (p.Asp241Val)

Gene: NEBL (nebulette; minus strand). Cytogenetic location: 10p12.31.
Variant type: single nucleotide variant.
Coding change: c.722A>T on transcript NM_006393.3 (MANE Select); coding-DNA position 722, A replaced by T.
Protein change: p.Asp241Val; replaces aspartic acid 241 with valine.
Molecular consequence: missense variant. On other transcripts: intron variant (9).
Genome position (GRCh38, 1-based): chr10:20,859,789, T>A on the plus strand (A>T on the coding strand, the complement: NEBL is on the minus strand). VCF-style: chr10-20859789-T-A. GRCh37 (hg19) VCF-style: chr10-21148718-T-A.
Other names: c.250-46849A>T (NM_001377326.1, NM_001377327.1, NM_001377328.1); c.358-46849A>T (NM_213569.2, NM_001173484.2, NM_001377322.1); c.301-46849A>T (NM_001377324.1); c.292-46849A>T (NM_001377325.1); c.310-46849A>T (NM_001377323.1); short protein forms D241V.
Identifiers: ClinVar variation 2716522 (VCV002716522.3), dbSNP rs943180556, ClinGen allele CA204194375.

ClinVar aggregate classification (germline): Uncertain significance (1 of 4 stars; one submission).

Conditions:
Primary dilated cardiomyopathy (DCM). Also called: Dilated Cardiomyopathy. Identifiers: Orphanet 217604, MedGen C0007193, MeSH D002311, MONDO:0005021, HP:0001644. Inheritance: Various modes of inheritance.

Allele frequency attached by ClinVar (database versions not stated): gnomAD exomes 0.00001; TOPMed 0.00002.
gnomAD v4.1: 18 of 1,590,142 alleles (0.0011%); highest among the groups gnomAD compares: African/African-American, 0.004%; no homozygotes.

Submission:

Labcorp Genetics (formerly Invitae), Labcorp
Classification: Uncertain significance for Primary dilated cardiomyopathy. Last evaluated: 2025-02-11. Review status: criteria provided, single submitter. Criteria: Invitae Variant Classification Sherloc (09022015). Collection method: clinical testing. Allele origin: germline.
Comment: This sequence change replaces aspartic acid, which is acidic and polar, with valine, which is neutral and non-polar, at codon 241 of the NEBL protein (p.Asp241Val). This variant is not present in population databases (gnomAD no frequency). This variant has not been reported in the literature in individuals affected with NEBL-related conditions. ClinVar contains an entry for this variant (Variation ID: 2716522). An algorithm developed to predict the effect of missense changes on protein structure and function (PolyPhen-2) suggests that this variant is likely to be tolerated. In summary, the available evidence is currently insufficient to determine the role of this variant in disease. Therefore, it has been classified as a Variant of Uncertain Significance.